The following is an entry in ClinVar:

ClinVar aggregate classification (germline): Uncertain significance. Review status: criteria provided, multiple submitters, no conflicts (2 of 4 stars). 2 submissions from 2 submitters: Uncertain significance (2). Last evaluated 2022-07-14.

Conditions:
Inborn genetic diseases. Identifiers: MedGen C0950123, MeSH D030342.
Charcot-Marie-Tooth disease type 4. Also called: Charcot-Marie-Tooth, Type 4; Charcot-Marie-Tooth disease, type IV. Identifiers: Orphanet 64749, MedGen C4082197, MONDO:0018995.

Allele frequency attached by ClinVar (database versions not stated): TOPMed below 0.00001; gnomAD exomes 0.00001.

Submissions (2):

Labcorp Genetics (formerly Invitae), Labcorp
Classification: Uncertain significance for Charcot-Marie-Tooth disease type 4. Last evaluated: 2022-07-14. Review status: criteria provided, single submitter. Criteria: Invitae Variant Classification Sherloc (09022015). Collection method: clinical testing. Allele origin: germline.
Comment: ClinVar contains an entry for this variant (Variation ID: 1004632). In summary, the available evidence is currently insufficient to determine the role of this variant in disease. Therefore, it has been classified as a Variant of Uncertain Significance. Algorithms developed to predict the effect of missense changes on protein structure and function are either unavailable or do not agree on the potential impact of this missense change (SIFT: "Tolerated"; PolyPhen-2: "Possibly Damaging"; Align-GVGD: "Class C0"). This variant has not been reported in the literature in individuals affected with PRX-related conditions. The frequency data for this variant in the population databases is considered unreliable, as metrics indicate poor data quality at this position in the gnomAD database. This sequence change replaces alanine, which is neutral and non-polar, with valine, which is neutral and non-polar, at codon 277 of the PRX protein (p.Ala277Val).

Ambry Genetics
Classification: Uncertain significance for Inborn genetic diseases. Last evaluated: 2022-02-02. Review status: criteria provided, single submitter. Criteria: Ambry Variant Classification Scheme 2023. Collection method: clinical testing. Allele origin: germline.

NM_181882.3(PRX):c.830C>T (p.Ala277Val)

Gene: PRX (periaxin; minus strand). Cytogenetic location: 19q13.2.
Variant type: single nucleotide variant.
Coding change: c.830C>T on transcript NM_181882.3 (MANE Select); coding-DNA position 830, C replaced by T.
Protein change: p.Ala277Val; replaces alanine 277 with valine.
Molecular consequence: missense variant. On other transcripts: 3 prime UTR variant (1).
Genome position (GRCh38, 1-based): chr19:40,397,522, G>A on the plus strand (C>T on the coding strand, the complement: PRX is on the minus strand). VCF-style: chr19-40397522-G-A. GRCh37 (hg19) VCF-style: chr19-40903429-G-A.
Other names: c.830C>T (NM_181882.2); c.*1035C>T (NM_020956.2); short protein forms A277V.
Identifiers: ClinVar variation 1004632 (VCV001004632.9), dbSNP rs1393962979, ClinGen allele CA405899601.